The following is an entry in ClinVar:

ClinVar aggregate classification (germline): Likely pathogenic. Review status: criteria provided, multiple submitters, no conflicts (2 of 4 stars). 2 submissions from 2 submitters: Likely pathogenic (2). Last evaluated 2025-12-11.

Conditions:
Gaucher disease. Also called: Acute cerebral Gaucher disease; Cerebroside lipidosis syndrome; Gaucher splenomegaly; Sphingolipidosis 1; Glucocerebrosidosis; Glucosylceramidase deficiency. Identifiers: Orphanet 355, MedGen C0017205, MONDO:0018150.

Submissions (2):

Natera, Inc.
Classification: Likely pathogenic for Gaucher disease. Last evaluated: 2025-12-11. Review status: criteria provided, single submitter. Criteria: Natera Variant Classification Schema (03/2026). Collection method: clinical testing. Allele origin: germline.
Comment: The c.1028A>G variant in GBA1 is a missense variant predicted to cause substitution of tyrosine to cysteine at amino acid 343. This variant is rare in the general population with a frequency below the threshold expected for the associated phenotype(s). This variant has been observed in one or more individuals affected with the associated recessive disease, as either homozygous or compound heterozygous with a second variant (PMID: 10649495). Functional studies show that this variant may disrupt protein function (PMID: 16293621). Computational prediction algorithms indicate this variant is likely to affect gene or protein function. Given the available evidence, this variant is classified as Likely Pathogenic.

CeGaT Center for Human Genetics Tuebingen
Classification: Likely pathogenic. Last evaluated: 2024-05-01. Review status: criteria provided, single submitter. Criteria: CeGaT Center For Human Genetics Tuebingen Variant Classification Criteria Version 2. Collection method: clinical testing. Allele origin: germline. Affected: yes. Observed: 1 variant allele.
Comment: GBA1: PM1, PM2, PM3

Literature cited by the submitters: PubMed 10649495 (cited by Natera, Inc.); PubMed 16293621 (cited by Natera, Inc.).

NM_000157.4(GBA1):c.1028A>G (p.Tyr343Cys)

Genes: GBA1 (glucosylceramidase beta 1; minus strand), LOC106627981 (GBA recombination region; plus strand). Cytogenetic location: 1q22.
Variant type: single nucleotide variant.
Coding change: c.1028A>G on transcript NM_000157.4 (MANE Select); coding-DNA position 1028, A replaced by G.
Protein change: p.Tyr343Cys; replaces tyrosine 343 with cysteine.
Molecular consequence: missense variant.
Genome position (GRCh38, 1-based): chr1:155,236,441, T>C on the plus strand (A>G on the coding strand, the complement: GBA1 is on the minus strand). VCF-style: chr1-155236441-T-C. GRCh37 (hg19) VCF-style: chr1-155206232-T-C.
Other names: c.1028A>G, p.Tyr343Cys (NM_001005741.3, NM_001005742.3); c.767A>G, p.Tyr256Cys (NM_001171811.2); c.881A>G, p.Tyr294Cys (NM_001171812.2); c.1028A>G (NM_000157.3); short protein forms Y256C, Y294C, Y343C.
Identifiers: ClinVar variation 3239360 (VCV003239360.20), dbSNP rs77321207.